The following is an entry in ClinVar:

ClinVar aggregate classification (germline): Uncertain significance. Review status: criteria provided, multiple submitters, no conflicts (2 of 4 stars). 3 submissions from 3 submitters: Uncertain significance (2). 1 of the submissions does not count toward it. Last evaluated 2025-02-13.

Conditions:
Candidiasis, familial, 6 (CANDF6). Also called: Candidiasis, familial, 6, autosomal dominant. Identifiers: Orphanet 1334, MedGen C3151405, MONDO:0013503, OMIM 613956.

Allele frequency attached by ClinVar (database versions not stated): gnomAD exomes 0.00002 and 0.00004; TOPMed 0.00003; ExAC 0.00005; gnomAD 0.00005 and 0.00006.

Submissions (3):

Labcorp Genetics (formerly Invitae), Labcorp
Classification: Uncertain significance for Candidiasis, familial, 6. Last evaluated: 2025-02-13. Review status: criteria provided, single submitter. Criteria: Invitae Variant Classification Sherloc (09022015). Collection method: clinical testing. Allele origin: germline.
Comment: This sequence change replaces serine, which is neutral and polar, with leucine, which is neutral and non-polar, at codon 95 of the IL17F protein (p.Ser95Leu). This variant is present in population databases (rs748486078, gnomAD 0.02%). This missense change has been observed in individual(s) with mucocutaneous candidiasis (PMID: 21350122). This variant is also known as p.Ser65Leu. ClinVar contains an entry for this variant (Variation ID: 30589). An algorithm developed to predict the effect of missense changes on protein structure and function (PolyPhen-2) suggests that this variant is likely to be disruptive. Experimental studies have shown that this missense change affects IL17F function (PMID: 21350122, 34587561). In summary, the available evidence is currently insufficient to determine the role of this variant in disease. Therefore, it has been classified as a Variant of Uncertain Significance.

CeGaT Center for Human Genetics Tuebingen
Classification: Uncertain significance. Last evaluated: 2022-01-01. Review status: criteria provided, single submitter. Criteria: CeGaT Center For Human Genetics Tuebingen Variant Classification Criteria Version 2. Collection method: clinical testing. Allele origin: germline. Affected: yes. Observed: 1 variant allele.

OMIM
Classification: Pathogenic for CANDIDIASIS, FAMILIAL, 6 (1 family). Last evaluated: 2011-04-01. Review status: no assertion criteria provided. Collection method: literature only. Allele origin: germline. Not counted in ClinVar's aggregate classification.

Literature cited by the submitters: PubMed 21350122 (cited by Labcorp Genetics (formerly Invitae), Labcorp and OMIM); PubMed 34587561 (cited by Labcorp Genetics (formerly Invitae), Labcorp).

NM_052872.4(IL17F):c.284C>T (p.Ser95Leu)

Gene: IL17F (interleukin 17F; minus strand). Cytogenetic location: 6p12.2.
Variant type: single nucleotide variant.
Coding change: c.284C>T on transcript NM_052872.4 (MANE Select); coding-DNA position 284, C replaced by T.
Protein change: p.Ser95Leu; replaces serine 95 with leucine.
Molecular consequence: missense variant.
Genome position (GRCh38, 1-based): chr6:52,237,139, G>A on the plus strand (C>T on the coding strand, the complement: IL17F is on the minus strand). VCF-style: chr6-52237139-G-A. GRCh37 (hg19) VCF-style: chr6-52101937-G-A.
Other names: S65L; short protein forms S95L.
Identifiers: ClinVar variation 30589 (VCV000030589.39), dbSNP rs748486078, ClinGen allele CA213032.
Genomic context (GRCh38, chr6:52,237,139, plus strand): 5'-TCTTCCTTTCCTTGAGCATTGATGCAGCCCAAGTTCCTACACTGGGCCTGTACAACTTCC[G>A]AGGGGTACCGGTTGGGGTCCCAAGTGACACTGCAGGAGGAGCAAGCCAAAGCACAATGGT-3'
Protein context (NP_443104.1, residues 85-105): TVTWDPNRYP[Ser95Leu]EVVQAQCRNL